The following is an entry in ClinVar:

NM_004174.4(SLC9A3):c.1675A>G (p.Ile559Val)

Genes: SLC9A3 (solute carrier family 9 member A3), SLC9A3-AS1 (SLC9A3 antisense RNA 1; plus strand). Cytogenetic location: 5p15.33.
Variant type: single nucleotide variant.
Coding change: c.1675A>G on transcript NM_004174.4 (MANE Select); coding-DNA position 1675, A replaced by G.
Protein change: p.Ile559Val; replaces isoleucine 559 with valine.
Molecular consequence: missense variant.
Genome position (GRCh38, 1-based): chr5:477,417, T>C on the plus strand (A>G on the coding strand, the complement: SLC9A3 is on the minus strand). VCF-style: chr5-477417-T-C. GRCh37 (hg19) VCF-style: chr5-477532-T-C.
Other names: c.1675A>G (NM_004174.2); c.1648A>G, p.Ile550Val (NM_001284351.3); short protein forms I559V, I550V.
Identifiers: ClinVar variation 1471237 (VCV001471237.7), dbSNP rs767406705, ClinGen allele CA3175772.

ClinVar aggregate classification (germline): Uncertain significance. Review status: criteria provided, multiple submitters, no conflicts (2 of 4 stars). 2 submissions from 2 submitters: Uncertain significance (2). Last evaluated 2024-12-09.

Conditions:
Inborn genetic diseases. Identifiers: MedGen C0950123, MeSH D030342.

Allele frequency attached by ClinVar (database versions not stated): ExAC 0.00001; gnomAD exomes 0.00001 and 0.00002; gnomAD 0.00005 and 0.00006; TOPMed 0.00010.
gnomAD v4.1: 17 of 1,612,698 alleles (0.0011%); highest among the groups gnomAD compares: African/African-American, 0.012%; no homozygotes.

Submissions (2):

Labcorp Genetics (formerly Invitae), Labcorp
Classification: Uncertain significance. Last evaluated: 2024-12-09. Review status: criteria provided, single submitter. Criteria: Invitae Variant Classification Sherloc (09022015). Collection method: clinical testing. Allele origin: germline.
Comment: This sequence change replaces isoleucine with valine at codon 559 of the SLC9A3 protein (p.Ile559Val). The isoleucine residue is moderately conserved and there is a small physicochemical difference between isoleucine and valine. This variant is present in population databases (rs767406705, gnomAD 0.02%). This variant has not been reported in the literature in individuals affected with SLC9A3-related conditions. ClinVar contains an entry for this variant (Variation ID: 1471237). An algorithm developed to predict the effect of missense changes on protein structure and function (PolyPhen-2) suggests that this variant is likely to be disruptive. In summary, the available evidence is currently insufficient to determine the role of this variant in disease. Therefore, it has been classified as a Variant of Uncertain Significance.

Ambry Genetics
Classification: Uncertain significance for Inborn genetic diseases. Last evaluated: 2023-11-03. Review status: criteria provided, single submitter. Criteria: Ambry Variant Classification Scheme 2023. Collection method: clinical testing. Allele origin: germline.